The following is an entry in ClinVar:

NM_001563.4(IMPG1):c.769C>T (p.Pro257Ser)

Gene: IMPG1 (interphotoreceptor matrix proteoglycan 1; minus strand). Cytogenetic location: 6q14.1.
Variant type: single nucleotide variant.
Coding change: c.769C>T on transcript NM_001563.4 (MANE Select); coding-DNA position 769, C replaced by T.
Protein change: p.Pro257Ser; replaces proline 257 with serine.
Molecular consequence: missense variant.
Genome position (GRCh38, 1-based): chr6:76,018,756, G>A on the plus strand (C>T on the coding strand, the complement: IMPG1 is on the minus strand). VCF-style: chr6-76018756-G-A. GRCh37 (hg19) VCF-style: chr6-76728473-G-A.
Other names: c.535C>T, p.Pro179Ser (NM_001282368.2); short protein forms P257S, P179S.
Identifiers: ClinVar variation 2780608 (VCV002780608.3), dbSNP rs2481498421, ClinGen allele CA364778734.

ClinVar aggregate classification (germline): Uncertain significance (1 of 4 stars; one submission).

Submission:

Labcorp Genetics (formerly Invitae), Labcorp
Classification: Uncertain significance. Last evaluated: 2023-04-30. Review status: criteria provided, single submitter. Criteria: Invitae Variant Classification Sherloc (09022015). Collection method: clinical testing. Allele origin: germline.
Comment: In summary, the available evidence is currently insufficient to determine the role of this variant in disease. Therefore, it has been classified as a Variant of Uncertain Significance. Algorithms developed to predict the effect of missense changes on protein structure and function output the following: SIFT: "Not Available"; PolyPhen-2: "Benign"; Align-GVGD: "Not Available". The serine amino acid residue is found in multiple mammalian species, which suggests that this missense change does not adversely affect protein function. This variant has not been reported in the literature in individuals affected with IMPG1-related conditions. This variant is not present in population databases (gnomAD no frequency). This sequence change replaces proline, which is neutral and non-polar, with serine, which is neutral and polar, at codon 257 of the IMPG1 protein (p.Pro257Ser).